The following is an entry in ClinVar:

ClinVar aggregate classification (germline): Pathogenic (1 of 4 stars; one submission).

Conditions:
Developmental and epileptic encephalopathy, 54. Also called: HNRNPU-Related Neurodevelopmental Disorder; Epileptic encephalopathy, early infantile, 54. Identifiers: MedGen C4479319, MONDO:0033363, OMIM 617391.

Submission:

Clinical Genomics Laboratory, Washington University in St. Louis
Classification: Pathogenic for Developmental and epileptic encephalopathy, 54. Last evaluated: 2023-07-26. Review status: criteria provided, single submitter. Criteria: ACMG Guidelines, 2015. Collection method: clinical testing. Allele origin: germline. Affected: yes.
Comment: The HNRNPU c.2295_2298del (p.Tyr765fs) variant, to our knowledge, has not been reported in the medical literature and is absent from the general population (gnomAD v.2.1.1), indicating it is not a common variant. This variant causes a frameshift by deleting four nucleotides, leading to a premature termination codon, which is predicted to lead to nonsense mediated decay. Additionally, other variants in this region that introduce a premature termination codon have been described in affected individuals and are considered pathogenic (Leduc MS et al., PMID: 28815871; Taylor J et al., PMID: 35138025). Based on available information and the ACMG/AMP guidelines for variant interpretation (Richards S et al., PMID: 25741868), this variant is classified as pathogenic.

NM_031844.3(HNRNPU):c.2295_2298del (p.Ser764_Tyr765insTer)

Gene: HNRNPU (heterogeneous nuclear ribonucleoprotein U; minus strand). Cytogenetic location: 1q44.
Variant type: Deletion.
Coding change: c.2295_2298del on transcript NM_031844.3 (MANE Select); coding-DNA positions 2295 to 2298, 4 bases deleted (CTCA; older notation c.2295_2298delCTCA).
Protein change: p.Ser764_Tyr765insTer.
Molecular consequence: nonsense.
Genome position (GRCh38, 1-based): chr1:244,855,478-244,855,481, TGAG deleted on the plus strand (CTCA on the coding strand, the reverse complement: HNRNPU is on the minus strand); deleting any 4 consecutive bases within chr1:244,855,478-244,855,482 gives the same sequence; the c. name uses the placement nearest the transcript's 3' end. VCF-style (leftmost placement, unchanged base first): chr1-244855477-TTGAG-T. GRCh37 (hg19) VCF-style: chr1-245018779-TTGAG-T.
Other names: c.2238_2241del, p.Ser745_Tyr746insTer (NM_004501.3).
Identifiers: ClinVar variation 2672190 (VCV002672190.1), dbSNP rs2527502540, ClinGen allele CA2695200413.